The following is an entry in ClinVar:

NM_006929.5(SKIC2):c.1192A>G (p.Met398Val)

Genes: SKIC2 (SKI2 subunit of superkiller complex; plus strand), LOC126859653 (CDK7 strongly-dependent group 2 enhancer GRCh37_chr6:31929542-31930741; plus strand). Cytogenetic location: 6p21.33.
Variant type: single nucleotide variant.
Coding change: c.1192A>G on transcript NM_006929.5 (MANE Select); coding-DNA position 1192, A replaced by G.
Protein change: p.Met398Val; replaces methionine 398 with valine.
Molecular consequence: missense variant.
Genome position (GRCh38, 1-based): chr6:31,962,566, A>G. VCF-style: chr6-31962566-A-G. GRCh37 (hg19) VCF-style: chr6-31930343-A-G.
Other names: short protein forms M398V.
Identifiers: ClinVar variation 2131113 (VCV002131113.1), dbSNP rs1456420484, ClinGen allele CA363452021.

ClinVar aggregate classification (germline): Uncertain significance (1 of 4 stars; one submission).

Allele frequency attached by ClinVar (database versions not stated): TOPMed below 0.00001; gnomAD 0.00001; gnomAD exomes 0.00001.
gnomAD v4.1: 15 of 1,613,512 alleles (0.00093%); highest among the groups gnomAD compares: African/African-American, 0.0027%; no homozygotes.

Submission:

Labcorp Genetics (formerly Invitae), Labcorp
Classification: Uncertain significance. Last evaluated: 2022-04-28. Review status: criteria provided, single submitter. Criteria: Invitae Variant Classification Sherloc (09022015). Collection method: clinical testing. Allele origin: germline.
Comment: This sequence change replaces methionine, which is neutral and non-polar, with valine, which is neutral and non-polar, at codon 398 of the SKIV2L protein (p.Met398Val). This variant is not present in population databases (gnomAD no frequency). This variant has not been reported in the literature in individuals affected with SKIV2L-related conditions. Algorithms developed to predict the effect of missense changes on protein structure and function are either unavailable or do not agree on the potential impact of this missense change (SIFT: "Deleterious"; PolyPhen-2: "Possibly Damaging"; Align-GVGD: "Class C0"). In summary, the available evidence is currently insufficient to determine the role of this variant in disease. Therefore, it has been classified as a Variant of Uncertain Significance.